The following is an entry in ClinVar:

ClinVar aggregate classification (germline): Uncertain significance. Review status: criteria provided, multiple submitters, no conflicts (2 of 4 stars). 3 submissions from 3 submitters: Uncertain significance (3). Last evaluated 2025-10-06.

Conditions:
Fraser syndrome 1 (FRASRS1). Also called: CRYPTOPHTHALMOS WITH OTHER MALFORMATIONS. Identifiers: Orphanet 2052, MedGen C4551480, MONDO:0054737, OMIM 219000.
Inborn genetic diseases. Identifiers: MedGen C0950123, MeSH D030342.

Allele frequency attached by ClinVar (database versions not stated): gnomAD exomes below 0.00001; ExAC 0.00001; gnomAD 0.00001; TOPMed 0.00003.
gnomAD v4.1: 4 of 1,613,850 alleles (0.00025%); highest among the groups gnomAD compares: African/African-American, 0.0027%; no homozygotes.

Submissions (3):

Ambry Genetics
Classification: Uncertain significance for Inborn genetic diseases. Last evaluated: 2025-10-06. Review status: criteria provided, single submitter. Criteria: Ambry Variant Classification Scheme 2023. Collection method: clinical testing. Allele origin: germline.

Fulgent Genetics
Classification: Uncertain significance for Fraser syndrome 1. Last evaluated: 2024-06-22. Review status: criteria provided, single submitter. Criteria: ACMG Guidelines, 2015. Collection method: clinical testing. Allele origin: germline.

Labcorp Genetics (formerly Invitae), Labcorp
Classification: Uncertain significance. Last evaluated: 2022-06-29. Review status: criteria provided, single submitter. Criteria: Invitae Variant Classification Sherloc (09022015). Collection method: clinical testing. Allele origin: germline.
Comment: This sequence change replaces glycine, which is neutral and non-polar, with arginine, which is basic and polar, at codon 2319 of the FRAS1 protein (p.Gly2319Arg). This variant is present in population databases (rs764901587, gnomAD 0.007%). This variant has not been reported in the literature in individuals affected with FRAS1-related conditions. Algorithms developed to predict the effect of missense changes on protein structure and function are either unavailable or do not agree on the potential impact of this missense change (SIFT: "Deleterious"; PolyPhen-2: "Probably Damaging"; Align-GVGD: "Class C15"). In summary, the available evidence is currently insufficient to determine the role of this variant in disease. Therefore, it has been classified as a Variant of Uncertain Significance.

NM_025074.7(FRAS1):c.6955G>A (p.Gly2319Arg)

Gene: FRAS1 (Fraser extracellular matrix complex subunit 1; plus strand). Cytogenetic location: 4q21.21.
Variant type: single nucleotide variant.
Coding change: c.6955G>A on transcript NM_025074.7 (MANE Select); coding-DNA position 6955, G replaced by A.
Protein change: p.Gly2319Arg; replaces glycine 2319 with arginine.
Molecular consequence: missense variant.
Genome position (GRCh38, 1-based): chr4:78,464,509, G>A. VCF-style: chr4-78464509-G-A. GRCh37 (hg19) VCF-style: chr4-79385663-G-A.
Other names: c.6955G>A (NM_025074.6); short protein forms G2319R.
Identifiers: ClinVar variation 2190890 (VCV002190890.3), dbSNP rs764901587, ClinGen allele CA2977944.